The following is an entry in ClinVar:

NM_023110.3(FGFR1):c.630T>G (p.Tyr210Ter)

Gene: FGFR1 (fibroblast growth factor receptor 1; minus strand). Cytogenetic location: 8p11.23.
Variant type: single nucleotide variant.
Coding change: c.630T>G on transcript NM_023110.3 (MANE Select); coding-DNA position 630, T replaced by G.
Protein change: p.Tyr210Ter; replaces tyrosine 210 with a stop codon.
Molecular consequence: nonsense.
Genome position (GRCh38, 1-based): chr8:38,426,237, A>C on the plus strand (T>G on the coding strand, the complement: FGFR1 is on the minus strand). VCF-style: chr8-38426237-A-C. GRCh37 (hg19) VCF-style: chr8-38283755-A-C.
Other names: c.630T>G, p.Tyr210Ter (NM_000604.2, NM_001174063.2); c.606T>G, p.Tyr202Ter (NM_001174064.2); c.624T>G, p.Tyr208Ter (NM_001174065.2, NM_001354367.2, NM_001354369.2 and 2 more transcripts); c.363T>G, p.Tyr121Ter (NM_001174066.2, NM_023105.3); c.723T>G, p.Tyr241Ter (NM_001174067.2); c.357T>G, p.Tyr119Ter (NM_001354368.2, NM_001354370.2, NM_023106.3); short protein forms Y119*, Y121*, Y202*, Y208*, Y210*, Y241*.
Identifiers: ClinVar variation 2505379 (VCV002505379.1), dbSNP rs1400969239, ClinGen allele CA370735461.

ClinVar aggregate classification (germline): Pathogenic (1 of 4 stars; one submission).

Conditions:
Hypogonadotropic hypogonadism 2 with or without anosmia (HH2). Also called: FGFR1-Related GnRH Deficiency (Kallmann Syndrome 2); HYPOGONADOTROPIC HYPOGONADISM 2 WITHOUT ANOSMIA; HYPOGONADOTROPIC HYPOGONADISM 2 WITH OR WITHOUT ANOSMIA, SUSCEPTIBILITY TO; HYPOGONADOTROPIC HYPOGONADISM 2 WITHOUT ANOSMIA, SUSCEPTIBILITY TO. Identifiers: Orphanet 478, MedGen C1563720, MONDO:0007844, OMIM 147950. Disease mechanism: loss of function.

Submission:

Reproductive Endocrine Unit, Massachusetts General Hospital
Classification: Pathogenic for Hypogonadotropic hypogonadism 2 with or without anosmia. Last evaluated: 2023-05-04. Review status: criteria provided, single submitter. Criteria: ACMG Guidelines, 2015. Collection method: research. Allele origin: unknown. Affected: yes. Observed: 1 variant allele.
Comment: The variant NM_023110.2:c.630T>G, p.(Tyr210*) het has been classified as P1c based on the variant meeting the following ACMG Criteria: PVS1,PM2,PP3.